The following is an entry in ClinVar:

NM_005633.4(SOS1):c.3662G>C (p.Arg1221Thr)

Gene: SOS1 (SOS Ras/Rac guanine nucleotide exchange factor 1; minus strand). Cytogenetic location: 2p22.1.
Variant type: single nucleotide variant.
Coding change: c.3662G>C on transcript NM_005633.4 (MANE Select); coding-DNA position 3662, G replaced by C.
Protein change: p.Arg1221Thr; replaces arginine 1221 with threonine.
Molecular consequence: missense variant.
Genome position (GRCh38, 1-based): chr2:38,986,164, C>G on the plus strand (G>C on the coding strand, the complement: SOS1 is on the minus strand). VCF-style: chr2-38986164-C-G. GRCh37 (hg19) VCF-style: chr2-39213305-C-G.
Other names: c.3641G>C, p.Arg1214Thr (NM_001382394.1); c.3617G>C, p.Arg1206Thr (NM_001382395.1); short protein forms R1206T, R1214T, R1221T.
Identifiers: ClinVar variation 984469 (VCV000984469.6), dbSNP rs768987761, ClinGen allele CA1624131.
Genomic context (GRCh38, chr2:38,986,164, plus strand): 5'-TTTTTGCCCAAAGGGGGAGGTTGGAGATGTAGTGGTGAGCTTGAGAAAACATCAGGTGTC[C>G]TCACAGGTTCTCGTGGTGGTAATAAGGGAGGGCTTTCAGGAGGGTCTGAGATAGAGGTCC-3'
Protein context (NP_005624.2, residues 1211-1231): PPLLPPREPV[Arg1221Thr]TPDVFSSSPL

ClinVar aggregate classification (germline): Uncertain significance. Review status: criteria provided, multiple submitters, no conflicts (2 of 4 stars). 4 submissions from 4 submitters: Uncertain significance (4). Last evaluated 2024-12-07.

Conditions:
RASopathy. Also called: rasopathies; Noonan spectrum disorder. Identifiers: Orphanet 536391, MedGen C5555857, MONDO:0021060.
Cardiovascular phenotype. Identifiers: MedGen CN230736.
Noonan syndrome 4 (NS4). Also called: SOS1-Related Noonan Syndrome; NOONAN SYNDROME WITH PIGMENTED VILLONODULAR SYNOVITIS. Identifiers: Orphanet 648, MedGen C1853120, MONDO:0012547, OMIM 610733.
Fibromatosis, gingival, 1 (GINGF1). Identifiers: Orphanet 2024, MedGen C4551558, MONDO:0007609, OMIM 135300.

Allele frequency attached by ClinVar (database versions not stated): gnomAD 0.00001 and 0.00002; ExAC 0.00002; gnomAD exomes 0.00002; TOPMed 0.00002.
gnomAD v4.1: 31 of 1,613,566 alleles (0.0019%); highest among the groups gnomAD compares: South Asian, 0.0055%; no homozygotes.

Submissions (4):

Ambry Genetics
Classification: Uncertain significance for Cardiovascular phenotype. Last evaluated: 2024-12-07. Review status: criteria provided, single submitter. Criteria: Ambry Variant Classification Scheme 2023. Collection method: clinical testing. Allele origin: germline.
Comment: The p.R1221T variant (also known as c.3662G>C), located in coding exon 23 of the SOS1 gene, results from a G to C substitution at nucleotide position 3662. The arginine at codon 1221 is replaced by threonine, an amino acid with similar properties. This amino acid position is conserved. In addition, the in silico prediction for this alteration is inconclusive. Based on the available evidence, the clinical significance of this variant remains unclear.

Labcorp Genetics (formerly Invitae), Labcorp
Classification: Uncertain significance for RASopathy. Last evaluated: 2024-02-25. Review status: criteria provided, single submitter. Criteria: Invitae Variant Classification Sherloc (09022015). Collection method: clinical testing. Allele origin: germline.
Comment: This sequence change replaces arginine, which is basic and polar, with threonine, which is neutral and polar, at codon 1221 of the SOS1 protein (p.Arg1221Thr). This variant is present in population databases (rs768987761, gnomAD 0.004%). This variant has not been reported in the literature in individuals affected with SOS1-related conditions. ClinVar contains an entry for this variant (Variation ID: 984469). Advanced modeling of protein sequence and biophysical properties (such as structural, functional, and spatial information, amino acid conservation, physicochemical variation, residue mobility, and thermodynamic stability) has been performed at Invitae for this missense variant, however the output from this modeling did not meet the statistical confidence thresholds required to predict the impact of this variant on SOS1 protein function. In summary, the available evidence is currently insufficient to determine the role of this variant in disease. Therefore, it has been classified as a Variant of Uncertain Significance.

Fulgent Genetics
Classification: Uncertain significance for Fibromatosis, gingival, 1; Noonan syndrome 4. Last evaluated: 2021-07-01. Review status: criteria provided, single submitter. Criteria: ACMG Guidelines, 2015. Collection method: clinical testing. Allele origin: unknown.

Women's Health and Genetics/Laboratory Corporation of America, LabCorp
Classification: Uncertain significance. Last evaluated: 2020-10-19. Review status: criteria provided, single submitter. Criteria: LabCorp Variant Classification Summary - May 2015. Collection method: clinical testing. Allele origin: germline.
Comment: Variant summary: SOS1 c.3662G>C (p.Arg1221Thr) results in a non-conservative amino acid change in the encoded protein sequence. Three of five in-silico tools predict a damaging effect of the variant on protein function. The variant allele was found at a frequency of 1.6e-05 in 251240 control chromosomes. The available data on variant occurrences in the general population are insufficient to allow any conclusion about variant significance. To our knowledge, no occurrence of c.3662G>C in individuals affected with Noonan Syndrome and no experimental evidence demonstrating its impact on protein function have been reported. No clinical diagnostic laboratories have submitted clinical-significance assessments for this variant to ClinVar after 2014. Based on the evidence outlined above, the variant was classified as uncertain significance.